The following is an entry in ClinVar:

NM_173563.3(FAM217A):c.378C>T (p.His126=)

Gene: FAM217A (family with sequence similarity 217 member A; minus strand). Cytogenetic location: 6p25.2.
Variant type: single nucleotide variant.
Coding change: c.378C>T on transcript NM_173563.3 (MANE Select); coding-DNA position 378, C replaced by T.
Protein change: p.His126=; no amino-acid change (histidine 126 retained).
Molecular consequence: synonymous variant.
Genome position (GRCh38, 1-based): chr6:4,069,845, G>A on the plus strand (C>T on the coding strand, the complement: FAM217A is on the minus strand). VCF-style: chr6-4069845-G-A. GRCh37 (hg19) VCF-style: chr6-4070079-G-A.
Identifiers: ClinVar variation 2656193 (VCV002656193.24), dbSNP rs17853927, ClinGen allele CA3621516.

ClinVar aggregate classification (germline): Likely benign (1 of 4 stars; one submission).

Allele frequency attached by ClinVar (database versions not stated): 1000 Genomes Project 0.00100; 1000 Genomes Project 30x 0.00141; TOPMed 0.00557; gnomAD 0.00563; ExAC 0.00600; ESP Exome Variant Server 0.00684; gnomAD exomes 0.00794.

Submission:

CeGaT Center for Human Genetics Tuebingen
Classification: Likely benign. Last evaluated: 2024-04-01. Review status: criteria provided, single submitter. Criteria: CeGaT Center For Human Genetics Tuebingen Variant Classification Criteria Version 2. Collection method: clinical testing. Allele origin: germline. Affected: yes. Observed: 2 variant alleles.
Comment: FAM217A: BP4, BP7, BS2